The following is an entry in ClinVar:

ClinVar aggregate classification (germline): Uncertain significance (1 of 4 stars; one submission).

Submission:

GeneDx
Classification: Uncertain significance. Last evaluated: 2025-04-25. Review status: criteria provided, single submitter. Criteria: GeneDx Variant Classification Process June 2021. Collection method: clinical testing. Allele origin: germline. Affected: yes.
Comment: Not observed at significant frequency in large population cohorts (gnomAD); In silico analysis indicates that this missense variant does not alter protein structure/function; Has not been previously published as pathogenic or benign to our knowledge

NM_015335.5(MED13L):c.3040A>T (p.Asn1014Tyr)

Gene: MED13L (mediator complex subunit 13L; minus strand). Cytogenetic location: 12q24.21.
Variant type: single nucleotide variant.
Coding change: c.3040A>T on transcript NM_015335.5 (MANE Select); coding-DNA position 3040, A replaced by T.
Protein change: p.Asn1014Tyr; replaces asparagine 1014 with tyrosine.
Molecular consequence: missense variant.
Genome position (GRCh38, 1-based): chr12:115,991,914, T>A on the plus strand (A>T on the coding strand, the complement: MED13L is on the minus strand). VCF-style: chr12-115991914-T-A. GRCh37 (hg19) VCF-style: chr12-116429719-T-A.
Other names: short protein forms N1014Y.
Identifiers: ClinVar variation 4527733 (VCV004527733.1).